The following is an entry in ClinVar:

NM_001393797.1(ABCC12):c.3442C>G (p.Gln1148Glu)

Gene: ABCC12 (ATP binding cassette subfamily C member 12; minus strand). Cytogenetic location: 16q12.1.
Variant type: single nucleotide variant.
Coding change: c.3442C>G on transcript NM_001393797.1 (MANE Select); coding-DNA position 3442, C replaced by G.
Protein change: p.Gln1148Glu; replaces glutamine 1148 with glutamic acid.
Molecular consequence: missense variant. On other transcripts: non-coding transcript variant (8).
Genome position (GRCh38, 1-based): chr16:48,088,578, G>C on the plus strand (C>G on the coding strand, the complement: ABCC12 is on the minus strand). VCF-style: chr16-48088578-G-C. GRCh37 (hg19) VCF-style: chr16-48122489-G-C.
Other names: c.64C>G, p.Gln22Glu (NM_001393798.1, NM_001393799.1); c.3442C>G, p.Gln1148Glu (NM_033226.3); short protein forms Q1148E, Q22E.
Identifiers: ClinVar variation 4120555 (VCV004120555.2).

ClinVar aggregate classification (germline): Conflicting classifications of pathogenicity. Review status: criteria provided, conflicting classifications (1 of 4 stars). 2 submissions from 2 submitters: Uncertain significance (1); Likely benign (1). Last evaluated 2026-08-11.

Conditions:
ABCC12-related condition.

gnomAD v4.1: 176 of 1,614,154 alleles (0.011%); highest among the groups gnomAD compares: African/African-American, 0.19%; no homozygotes.

Submissions (2):

PreventionGenetics, part of Exact Sciences
Classification: Likely benign for ABCC12-related condition. Last evaluated: 2026-08-11. Review status: criteria provided, single submitter. Criteria: ACMG Guidelines, 2015. Collection method: clinical testing. Allele origin: germline.
Comment: This variant is classified as likely benign based on ACMG/AMP sequence variant interpretation guidelines (Richards et al. 2015 PMID: 25741868, with internal and published modifications).

Ambry Genetics
Classification: Uncertain significance. Last evaluated: 2025-08-03. Review status: criteria provided, single submitter. Criteria: Ambry Variant Classification Scheme 2023. Collection method: clinical testing. Allele origin: germline.